The following is an entry in ClinVar:

NM_170707.4(LMNA):c.1157+1G>A

Gene: LMNA (lamin A/C; plus strand). Cytogenetic location: 1q22.
Variant type: single nucleotide variant.
Coding change: c.1157+1G>A on transcript NM_170707.4 (MANE Select); the canonical splice donor site of the intron after coding-DNA position 1157, G replaced by A.
Molecular consequence: splice donor variant.
Genome position (GRCh38, 1-based): chr1:156,136,122, G>A. VCF-style: chr1-156136122-G-A. GRCh37 (hg19) VCF-style: chr1-156105913-G-A.
Other names: c.1157+1G>A (NM_001406983.1, NM_001282625.2, NM_005572.4 and 6 more transcripts); c.533+1G>A (NM_001407001.1, NM_001406999.1, NM_001407000.1 and 1 more transcripts); c.599+1G>A (NM_001406995.1, NM_001406990.1, NM_001406996.1 and 4 more transcripts); c.914+1G>A (NM_001406987.1, NM_001282624.2, NM_001406986.1); c.821+1G>A (NM_001406989.1, NM_001257374.3, NM_001406998.1); c.860+1G>A (NM_001406988.1).
Identifiers: ClinVar variation 66781 (VCV000066781.11), dbSNP rs267607590, ClinGen allele CA016716.

ClinVar aggregate classification (germline): Pathogenic/Likely pathogenic. Review status: criteria provided, multiple submitters, no conflicts (2 of 4 stars). 3 submissions from 3 submitters: Pathogenic (1); Likely pathogenic (1). 1 of the submissions does not count toward it. Last evaluated 2025-07-09.

Conditions:
Cardiovascular phenotype. Identifiers: MedGen CN230736.
Charcot-Marie-Tooth disease type 2. Also called: Charcot-Marie-Tooth type 2. Identifiers: Orphanet 64746, MedGen C0270914, MONDO:0018993.

Submissions (3):

Ambry Genetics
Classification: Pathogenic for Cardiovascular phenotype. Last evaluated: 2025-07-09. Review status: criteria provided, single submitter. Criteria: Ambry Variant Classification Scheme 2023. Collection method: clinical testing. Allele origin: germline.
Comment: The c.1157+1G>A intronic pathogenic mutation results from a G to A substitution one nucleotide after coding exon 6 of the LMNA gene. This variant was identified in one or more individuals with features consistent with dilated cardiomyopathy and segregated with disease in at least one family (Pasotti M, J. Am. Coll. Cardiol. 2008 Oct; 52(15):1250-60; van Spaendonck-Zwarts KY, Eur. J. Heart Fail. 2013 Jun; 15(6):628-36). This variant is considered to be rare based on population cohorts in the Genome Aggregation Database (gnomAD). This nucleotide position is highly conserved in available vertebrate species. In silico splice site analysis predicts that this alteration will weaken the native splice donor site. Alterations that disrupt the canonical splice site are expected to cause aberrant splicing, resulting in an abnormal protein or a transcript that is subject to nonsense-mediated mRNA decay. As such, this alteration is classified as pathogenic.

Labcorp Genetics (formerly Invitae), Labcorp
Classification: Likely pathogenic for Charcot-Marie-Tooth disease type 2. Last evaluated: 2023-04-09. Review status: criteria provided, single submitter. Criteria: Invitae Variant Classification Sherloc (09022015). Collection method: clinical testing. Allele origin: germline.
Comment: This variant is not present in population databases (gnomAD no frequency). This sequence change affects a donor splice site in intron 6 of the LMNA gene. It is expected to disrupt RNA splicing. Variants that disrupt the donor or acceptor splice site typically lead to a loss of protein function (PMID: 16199547), and loss-of-function variants in LMNA are known to be pathogenic (PMID: 18585512, 18926329). In summary, the currently available evidence indicates that the variant is pathogenic, but additional data are needed to prove that conclusively. Therefore, this variant has been classified as Likely Pathogenic. Algorithms developed to predict the effect of sequence changes on RNA splicing suggest that this variant may disrupt the consensus splice site. ClinVar contains an entry for this variant (Variation ID: 66781). This variant is also known as IVS6+1G>A. Disruption of this splice site has been observed in individual(s) with clinical features of LMNA-related conditions (PMID: 18926329, 22224630, 28790152).

Epithelial Biology;  Institute of Medical Biology, Singapore
No classification provided. Review status: no classification provided. Collection method: not provided. Allele origin: not provided. Not counted in ClinVar's aggregate classification.

Literature cited by the submitters: PubMed 18926329 (cited by Ambry Genetics and Labcorp Genetics (formerly Invitae), Labcorp); PubMed 23349452 (cited by Ambry Genetics); PubMed 16199547 (cited by Labcorp Genetics (formerly Invitae), Labcorp); PubMed 18585512 (cited by Labcorp Genetics (formerly Invitae), Labcorp); PubMed 22224630 (cited by Labcorp Genetics (formerly Invitae), Labcorp); PubMed 28790152 (cited by Labcorp Genetics (formerly Invitae), Labcorp).